The following is an entry in ClinVar:

ClinVar aggregate classification (germline): Uncertain significance. Review status: criteria provided, multiple submitters, no conflicts (2 of 4 stars). 2 submissions from 2 submitters: Uncertain significance (2). Last evaluated 2025-10-28.

Conditions:
PCSK1-related disorder. Also called: PCSK1-related condition.

Allele frequency attached by ClinVar (database versions not stated): TOPMed 0.00002; ExAC 0.00003; gnomAD 0.00003; ESP Exome Variant Server 0.00008.
gnomAD v4.1: 19 of 1,612,446 alleles (0.0012%); highest among the groups gnomAD compares: African/African-American, 0.0067%; no homozygotes.

Submissions (2):

PreventionGenetics, part of Exact Sciences
Classification: Uncertain significance for PCSK1-related condition. Last evaluated: 2025-10-28. Review status: criteria provided, single submitter. Criteria: ACMG Guidelines, 2015. Collection method: clinical testing. Allele origin: germline.
Comment: The PCSK1 c.675C>T variant is not predicted to result in an amino acid change (p.=). To our knowledge, this variant has not been reported in the literature. This variant is predicted to possibly alter splicing based on available splicing prediction software (SpliceAI, Jaganathan et al. 2019. PubMed ID: 30661751). However, the use of computer prediction software is not equivalent to functional evidence. This variant is reported in 0.020% of alleles in individuals of East Asian descent in gnomAD. At this time, the clinical significance of this variant is uncertain due to the absence of conclusive functional and genetic evidence.

Labcorp Genetics (formerly Invitae), Labcorp
Classification: Uncertain significance. Last evaluated: 2022-08-06. Review status: criteria provided, single submitter. Criteria: Invitae Variant Classification Sherloc (09022015). Collection method: clinical testing. Allele origin: germline.
Comment: This variant has not been reported in the literature in individuals affected with PCSK1-related conditions. This variant is present in population databases (rs150991567, gnomAD 0.02%). This sequence change affects codon 225 of the PCSK1 mRNA. It is a 'silent' change, meaning that it does not change the encoded amino acid sequence of the PCSK1 protein. In summary, the available evidence is currently insufficient to determine the role of this variant in disease. Therefore, it has been classified as a Variant of Uncertain Significance. Algorithms developed to predict the effect of sequence changes on RNA splicing suggest that this variant may disrupt the consensus splice site.

NM_000439.5(PCSK1):c.675C>T (p.Cys225=)

Genes: CAST (calpastatin; plus strand), PCSK1 (proprotein convertase subtilisin/kexin type 1; minus strand), LOC101929710 (uncharacterized LOC101929710; plus strand). Cytogenetic location: 5q15.
Variant type: single nucleotide variant.
Coding change: c.675C>T on transcript NM_000439.5 (MANE Select); coding-DNA position 675, C replaced by T.
Protein change: p.Cys225=; no amino-acid change (cysteine 225 retained).
Molecular consequence: synonymous variant.
Genome position (GRCh38, 1-based): chr5:96,416,067, G>A on the plus strand (C>T on the coding strand, the complement: PCSK1 is on the minus strand). VCF-style: chr5-96416067-G-A. GRCh37 (hg19) VCF-style: chr5-95751771-G-A.
Other names: c.675C>T (NM_000439.4); c.534C>T, p.Cys178= (NM_001177875.2).
Identifiers: ClinVar variation 1906487 (VCV001906487.7), dbSNP rs150991567, ClinGen allele CA3350405.